The following is an entry in ClinVar:

ClinVar aggregate classification (germline): Uncertain significance (1 of 4 stars; one submission).

Submission:

Labcorp Genetics (formerly Invitae), Labcorp
Classification: Uncertain significance. Last evaluated: 2024-05-15. Review status: criteria provided, single submitter. Criteria: Invitae Variant Classification Sherloc (09022015). Collection method: clinical testing. Allele origin: germline.
Comment: This sequence change replaces threonine, which is neutral and polar, with proline, which is neutral and non-polar, at codon 2509 of the SZT2 protein (p.Thr2509Pro). This variant is not present in population databases (gnomAD no frequency). This variant has not been reported in the literature in individuals affected with SZT2-related conditions. ClinVar contains an entry for this variant (Variation ID: 1359352). Advanced modeling of protein sequence and biophysical properties (such as structural, functional, and spatial information, amino acid conservation, physicochemical variation, residue mobility, and thermodynamic stability) performed at Invitae indicates that this missense variant is not expected to disrupt SZT2 protein function with a negative predictive value of 80%. In summary, the available evidence is currently insufficient to determine the role of this variant in disease. Therefore, it has been classified as a Variant of Uncertain Significance.

NM_001365999.1(SZT2):c.7696A>C (p.Thr2566Pro)

Gene: SZT2 (SZT2 subunit of KICSTOR complex; plus strand). Cytogenetic location: 1p34.2.
Variant type: single nucleotide variant.
Coding change: c.7696A>C on transcript NM_001365999.1 (MANE Select); coding-DNA position 7696, A replaced by C.
Protein change: p.Thr2566Pro; replaces threonine 2566 with proline.
Molecular consequence: missense variant.
Genome position (GRCh38, 1-based): chr1:43,441,772, A>C. VCF-style: chr1-43441772-A-C. GRCh37 (hg19) VCF-style: chr1-43907443-A-C.
Other names: c.7525A>C, p.Thr2509Pro (NM_015284.4); short protein forms T2509P, T2566P.
Identifiers: ClinVar variation 1359352 (VCV001359352.8), dbSNP rs2153935805, ClinGen allele CA340035825.